The following is an entry in ClinVar:

NM_152564.5(VPS13B):c.3210G>C (p.Gln1070His)

Gene: VPS13B (vacuolar protein sorting 13 homolog B; plus strand). Cytogenetic location: 8q22.2.
Variant type: single nucleotide variant.
Coding change: c.3210G>C on transcript NM_152564.5 (MANE Select); coding-DNA position 3210, G replaced by C.
Protein change: p.Gln1070His; replaces glutamine 1070 with histidine.
Molecular consequence: missense variant.
Genome position (GRCh38, 1-based): chr8:99,431,664, G>C. VCF-style: chr8-99431664-G-C. GRCh37 (hg19) VCF-style: chr8-100443892-G-C.
Other names: c.3210G>C, p.Gln1070His (NM_017890.5); short protein forms Q1070H.
Identifiers: ClinVar variation 1363006 (VCV001363006.6), dbSNP rs1411916211, ClinGen allele CA371868509.

ClinVar aggregate classification (germline): Uncertain significance (1 of 4 stars; one submission).

Conditions:
Cohen syndrome (COH1). Also called: PEPPER SYNDROME; Cutis verticis gyrata, retinitis pigmentosa, and sensorineural deafness. Identifiers: Orphanet 193, MedGen C0265223, MONDO:0008999, OMIM 216550.

Submission:

Labcorp Genetics (formerly Invitae), Labcorp
Classification: Uncertain significance for Cohen syndrome. Last evaluated: 2024-05-20. Review status: criteria provided, single submitter. Criteria: Invitae Variant Classification Sherloc (09022015). Collection method: clinical testing. Allele origin: germline.
Comment: This sequence change replaces glutamine, which is neutral and polar, with histidine, which is basic and polar, at codon 1070 of the VPS13B protein (p.Gln1070His). This variant also falls at the last nucleotide of exon 22, which is part of the consensus splice site for this exon. This variant is not present in population databases (gnomAD no frequency). This variant has not been reported in the literature in individuals affected with VPS13B-related conditions. ClinVar contains an entry for this variant (Variation ID: 1363006). An algorithm developed to predict the effect of missense changes on protein structure and function (PolyPhen-2) suggests that this variant is likely to be disruptive. Variants that disrupt the consensus splice site are a relatively common cause of aberrant splicing (PMID: 17576681, 9536098). Algorithms developed to predict the effect of sequence changes on RNA splicing suggest that this variant may disrupt the consensus splice site. In summary, the available evidence is currently insufficient to determine the role of this variant in disease. Therefore, it has been classified as a Variant of Uncertain Significance.

Literature cited by the submitters: PubMed 17576681; PubMed 9536098.